The following is an entry in ClinVar:

NM_003737.4(DCHS1):c.6101G>A (p.Arg2034His)

Gene: DCHS1 (dachsous cadherin-related 1; minus strand). Cytogenetic location: 11p15.4.
Variant type: single nucleotide variant.
Coding change: c.6101G>A on transcript NM_003737.4 (MANE Select); coding-DNA position 6101, G replaced by A.
Protein change: p.Arg2034His; replaces arginine 2034 with histidine.
Molecular consequence: missense variant.
Genome position (GRCh38, 1-based): chr11:6,626,938, C>T on the plus strand (G>A on the coding strand, the complement: DCHS1 is on the minus strand). VCF-style: chr11-6626938-C-T. GRCh37 (hg19) VCF-style: chr11-6648169-C-T.
Other names: short protein forms R2034H.
Identifiers: ClinVar variation 2416884 (VCV002416884.6), dbSNP rs140046764, ClinGen allele CA5859954.

ClinVar aggregate classification (germline): Uncertain significance (1 of 4 stars; one submission).

Allele frequency attached by ClinVar (database versions not stated): gnomAD exomes 0.00002; gnomAD 0.00005; TOPMed 0.00005; ExAC 0.00006; ESP Exome Variant Server 0.00008.
gnomAD v4.1: 43 of 1,613,586 alleles (0.0027%); highest among the groups gnomAD compares: East Asian, 0.025%; no homozygotes.

Submission:

Labcorp Genetics (formerly Invitae), Labcorp
Classification: Uncertain significance. Last evaluated: 2025-09-30. Review status: criteria provided, single submitter. Criteria: Invitae Variant Classification Sherloc (09022015). Collection method: clinical testing. Allele origin: germline.
Comment: This sequence change replaces arginine, which is basic and polar, with histidine, which is basic and polar, at codon 2034 of the DCHS1 protein (p.Arg2034His). This variant is present in population databases (rs140046764, gnomAD 0.05%). This variant has not been reported in the literature in individuals affected with DCHS1-related conditions. ClinVar contains an entry for this variant (Variation ID: 2416884). Invitae Evidence Modeling of protein sequence and biophysical properties (such as structural, functional, and spatial information, amino acid conservation, physicochemical variation, residue mobility, and thermodynamic stability) indicates that this missense variant is not expected to disrupt DCHS1 protein function with a negative predictive value of 80%. In summary, the available evidence is currently insufficient to determine the role of this variant in disease. Therefore, it has been classified as a Variant of Uncertain Significance.